The following is an entry in ClinVar:

ClinVar aggregate classification (germline): Conflicting classifications of pathogenicity. Review status: criteria provided, conflicting classifications (1 of 4 stars). 6 submissions from 6 submitters: Uncertain significance (1); Likely benign (4). 1 of the submissions does not count toward it. Last evaluated 2025-11-01.

Conditions:
PLEC-related disorder. Also called: PLEC-related disorders; PLEC-related condition.
Epidermolysis bullosa simplex 5B, with muscular dystrophy (EBS5B). Also called: Epidermolysis bullosa simplex with muscular dystrophy; EPIDERMOLYSIS BULLOSA SIMPLEX AND LIMB-GIRDLE MUSCULAR DYSTROPHY. Identifiers: Orphanet 257, MedGen C2931072, MONDO:0009181, OMIM 226670.
Epidermolysis bullosa simplex, Ogna type (EBS5A). Also called: Pidermolysis bullosa simplex 5A, Ogna type; EPIDERMOLYSIS BULLOSA SIMPLEX 5A, OGNA TYPE. Identifiers: Orphanet 79401, MedGen C0432317, MONDO:0007555, OMIM 131950.
Epidermolysis bullosa simplex 5C, with pyloric atresia (EBS5C). Also called: PLEC-Related Epidermolysis Bullosa with Pyloric Atresia; Epidermolysis bullosa simplex with pyloric atresia; PLEC1-Related Epidermolysis Bullosa with Pyloric Atresia. Identifiers: Orphanet 158684, MedGen C2677349, MONDO:0012807, OMIM 612138.
Autosomal recessive limb-girdle muscular dystrophy type 2Q (LGMDR17). Also called: MUSCULAR DYSTROPHY, LIMB-GIRDLE, AUTOSOMAL RECESSIVE 17. Identifiers: Orphanet 254361, MedGen C3150989, MONDO:0013390, OMIM 613723.
Epidermolysis bullosa simplex with nail dystrophy (EBS5D). Identifiers: MedGen C4225309, MONDO:0014661, OMIM 616487.

Allele frequency attached by ClinVar (database versions not stated): gnomAD exomes 0.00003 and 0.00008; ExAC 0.00011; ESP Exome Variant Server 0.00023; gnomAD 0.00029 and 0.00033; TOPMed 0.00032.
gnomAD v4.1: 87 of 1,585,396 alleles (0.0055%); highest among the groups gnomAD compares: African/African-American, 0.1%; no homozygotes.

Submissions (6):

Labcorp Genetics (formerly Invitae), Labcorp
Classification: Likely benign for Autosomal recessive limb-girdle muscular dystrophy type 2Q; Epidermolysis bullosa simplex, Ogna type; Epidermolysis bullosa simplex with nail dystrophy; Epidermolysis bullosa simplex 5C, with pyloric atresia; Epidermolysis bullosa simplex 5B, with muscular dystrophy. Last evaluated: 2025-11-01. Review status: criteria provided, single submitter. Criteria: Invitae Variant Classification Sherloc (09022015). Collection method: clinical testing. Allele origin: germline.

Women's Health and Genetics/Laboratory Corporation of America, LabCorp
Classification: Likely benign. Last evaluated: 2025-06-18. Review status: criteria provided, single submitter. Criteria: LabCorp Variant Classification Summary - May 2015. Collection method: clinical testing. Allele origin: germline.

Mayo Clinic Laboratories, Mayo Clinic
Classification: Likely benign. Last evaluated: 2025-05-23. Review status: criteria provided, single submitter. Criteria: ACMG Guidelines, 2015. Collection method: clinical testing. Allele origin: germline. Observed: 1 variant allele.
Comment: BS1, BP4, BP7

Athena Diagnostics
Classification: Likely benign. Last evaluated: 2020-02-17. Review status: criteria provided, single submitter. Criteria: Athena Diagnostics Criteria. Collection method: clinical testing. Allele origin: unknown.

Eurofins Ntd Llc (ga)
Classification: Uncertain significance. Last evaluated: 2017-12-07. Review status: criteria provided, single submitter. Criteria: EGL Classification Definitions 2015. Collection method: clinical testing. Allele origin: germline. Observed: 1 variant allele, 1 heterozygote.

PreventionGenetics, part of Exact Sciences
Classification: Likely benign for PLEC-related condition. Last evaluated: 2019-07-19. Review status: no assertion criteria provided. Collection method: clinical testing. Allele origin: germline. Not counted in ClinVar's aggregate classification.
Comment: This variant is classified as likely benign based on ACMG/AMP sequence variant interpretation guidelines (Richards et al. 2015 PMID: 25741868, with internal and published modifications).

NM_201384.3(PLEC):c.7584G>A (p.Gln2528=)

Gene: PLEC (plectin; minus strand). Cytogenetic location: 8q24.3.
Variant type: single nucleotide variant.
Coding change: c.7584G>A on transcript NM_201384.3 (MANE Select); coding-DNA position 7584, G replaced by A.
Protein change: p.Gln2528=; no amino-acid change (glutamine 2528 retained).
Molecular consequence: synonymous variant.
Genome position (GRCh38, 1-based): chr8:143,922,237, C>T on the plus strand (G>A on the coding strand, the complement: PLEC is on the minus strand). VCF-style: chr8-143922237-C-T. GRCh37 (hg19) VCF-style: chr8-144996405-C-T.
Other names: p.Gln2555=; c.7665G>A, p.Gln2555= (NM_000445.5); c.7542G>A, p.Gln2514= (NM_201378.4); c.7518G>A, p.Gln2506= (NM_201379.3); c.7995G>A, p.Gln2665= (NM_201380.4); c.7488G>A, p.Gln2496= (NM_201381.3); c.7584G>A, p.Gln2528= (NM_201382.4); c.7596G>A, p.Gln2532= (NM_201383.3).
Identifiers: ClinVar variation 595302 (VCV000595302.18), dbSNP rs372858742, ClinGen allele CA4925577.